The following is an entry in ClinVar:

NM_000388.4(CASR):c.3020T>A (p.Leu1007Gln)

Gene: CASR (calcium sensing receptor; plus strand). Cytogenetic location: 3q21.1.
Variant type: single nucleotide variant.
Coding change: c.3020T>A on transcript NM_000388.4 (MANE Select); coding-DNA position 3020, T replaced by A.
Protein change: p.Leu1007Gln; replaces leucine 1007 with glutamine.
Molecular consequence: missense variant.
Genome position (GRCh38, 1-based): chr3:122,284,974, T>A. VCF-style: chr3-122284974-T-A. GRCh37 (hg19) VCF-style: chr3-122003821-T-A.
Other names: c.3050T>A, p.Leu1017Gln (NM_001178065.2); short protein forms L1007Q, L1017Q.
Identifiers: ClinVar variation 1025841 (VCV001025841.9), dbSNP rs200238591, ClinGen allele CA82749437.

ClinVar aggregate classification (germline): Uncertain significance. Review status: criteria provided, multiple submitters, no conflicts (2 of 4 stars). 2 submissions from 2 submitters: Uncertain significance (2). Last evaluated 2023-07-21.

Conditions:
Autosomal dominant hypocalcemia 1 (HYPOC1). Also called: HYPOCALCEMIA, FAMILIAL. Identifiers: MedGen C3715128, MONDO:0011013, OMIM 601198.
Familial hypocalciuric hypercalcemia (FHH). Also called: Familial benign hypercalcemia. Identifiers: Orphanet 405, MedGen C1809471, MONDO:0018458.
Nephrolithiasis/nephrocalcinosis. Identifiers: MedGen CN580796.

Allele frequency attached by ClinVar (database versions not stated): gnomAD exomes below 0.00001; TOPMed below 0.00001.
gnomAD v4.1: 4 of 1,614,180 alleles (0.00025%); highest among the groups gnomAD compares: Non-Finnish European, 0.00034%; no homozygotes.

Submissions (2):

Ambry Genetics
Classification: Uncertain significance for Nephrolithiasis/nephrocalcinosis. Last evaluated: 2023-07-21. Review status: criteria provided, single submitter. Criteria: Ambry Variant Classification Scheme 2023. Collection method: clinical testing. Allele origin: germline.
Comment: The p.L1007Q variant (also known as c.3020T>A), located in coding exon 6 of the CASR gene, results from a T to A substitution at nucleotide position 3020. The leucine at codon 1007 is replaced by glutamine, an amino acid with dissimilar properties. This amino acid position is conserved. In addition, the in silico prediction for this alteration is inconclusive. Since supporting evidence is limited at this time, the clinical significance of this alteration remains unclear.

Labcorp Genetics (formerly Invitae), Labcorp
Classification: Uncertain significance for Familial hypocalciuric hypercalcemia; Autosomal dominant hypocalcemia 1. Last evaluated: 2023-03-14. Review status: criteria provided, single submitter. Criteria: Invitae Variant Classification Sherloc (09022015). Collection method: clinical testing. Allele origin: germline.
Comment: In summary, the available evidence is currently insufficient to determine the role of this variant in disease. Therefore, it has been classified as a Variant of Uncertain Significance. An algorithm developed to predict the effect of missense changes on protein structure and function (PolyPhen-2) suggests that this variant is likely to be disruptive. ClinVar contains an entry for this variant (Variation ID: 1025841). This variant has not been reported in the literature in individuals affected with CASR-related conditions. This variant is present in population databases (rs200238591, gnomAD 0.0009%). This sequence change replaces leucine, which is neutral and non-polar, with glutamine, which is neutral and polar, at codon 1007 of the CASR protein (p.Leu1007Gln).